The following is an entry in ClinVar:

NM_005378.6(MYCN):c.1180C>T (p.Arg394Cys)

Gene: MYCN (MYCN proto-oncogene, bHLH transcription factor; plus strand). Cytogenetic location: 2p24.3.
Variant type: single nucleotide variant.
Coding change: c.1180C>T on transcript NM_005378.6 (MANE Select); coding-DNA position 1180, C replaced by T.
Protein change: p.Arg394Cys; replaces arginine 394 with cysteine.
Molecular consequence: missense variant. On other transcripts: 3 prime UTR variant (1).
Genome position (GRCh38, 1-based): chr2:15,945,882, C>T. VCF-style: chr2-15945882-C-T. GRCh37 (hg19) VCF-style: chr2-16086004-C-T.
Other names: c.1180C>T, p.Arg394Cys (NM_001293228.2); c.547C>T, p.Arg183Cys (NM_001293231.2); c.*1115C>T (NM_001293233.2); c.1180C>T (NM_005378.4); short protein forms R183C, R394C.
Identifiers: ClinVar variation 1960211 (VCV001960211.9), dbSNP rs1558536389, ClinGen allele CA345932450.
Genomic context (GRCh38, chr2:15,945,882, plus strand): 5'-AACTCTGACTCGGAGGACAGTGAGCGTCGCAGAAACCACAACATCCTGGAGCGCCAGCGC[C>T]GCAACGACCTTCGGTCCAGCTTTCTCACGCTCAGGGACCACGTGCCGGAGTTGGTAAAGA-3'
Protein context (NP_005369.2, residues 384-404): RNHNILERQR[Arg394Cys]NDLRSSFLTL

ClinVar aggregate classification (germline): Conflicting classifications of pathogenicity. Review status: criteria provided, conflicting classifications (1 of 4 stars). 4 submissions from 4 submitters: Likely pathogenic (2); Uncertain significance (2). Last evaluated 2025-07-29.

Conditions:
MYCN-related disorder. Also called: MYCN-related condition.
Feingold syndrome type 1 (FGLDS1). Also called: MICROCEPHALY AND DIGITAL ABNORMALITIES WITH NORMAL INTELLIGENCE; MICROCEPHALY, MENTAL RETARDATION, AND TRACHEOESOPHAGEAL FISTULA SYNDROME; MICROCEPHALY-OCULO-DIGITO-ESOPHAGEAL-DUODENAL SYNDROME; OCULODIGITOESOPHAGODUODENAL SYNDROME; ODED SYNDROME. Identifiers: Orphanet 1305, Orphanet 391641, MedGen C4551774, MONDO:0008115, OMIM 164280.

Submissions (4):

3billion
Classification: Uncertain significance for Feingold syndrome type 1. Last evaluated: 2025-07-29. Review status: criteria provided, single submitter. Criteria: ACMG Guidelines, 2015. Collection method: clinical testing. Allele origin: germline. Affected: yes.
Comment: The variant is not observed in the gnomAD v4.1.0 dataset. Predicted Consequence/Location: Missense variant In silico tool predictions suggest damaging effect of the variant on gene or gene product [REVEL: 0.94 (>=0.6, sensitivity 0.68 and specificity 0.92); 3Cnet: 0.99 (> 0.75, sensitivity 0.96 and precision 0.92)]. Different missense changes at the same codon (p.Arg394His, p.Arg394Leu) have been reported as pathogenic/likely pathogenic with strong evidence (ClinVar ID: VCV000013894, VCV000433153 /PMID: 15821734). Therefore, this variant is classified as VUS according to the recommendation of ACMG/AMP guideline.

GeneDx
Classification: Likely pathogenic. Last evaluated: 2025-02-02. Review status: criteria provided, single submitter. Criteria: GeneDx Variant Classification Process June 2021. Collection method: clinical testing. Allele origin: germline. Affected: yes.
Comment: Has not been previously published as pathogenic or benign to our knowledge; Not observed at significant frequency in large population cohorts (gnomAD); In silico analysis supports that this missense variant has a deleterious effect on protein structure/function; This variant is associated with the following publications: (PMID: 19921653, 15821734, 18470948, 33442900)

Labcorp Genetics (formerly Invitae), Labcorp
Classification: Uncertain significance. Last evaluated: 2022-11-23. Review status: criteria provided, single submitter. Criteria: Invitae Variant Classification Sherloc (09022015). Collection method: clinical testing. Allele origin: germline.
Comment: This sequence change replaces arginine, which is basic and polar, with cysteine, which is neutral and slightly polar, at codon 394 of the MYCN protein (p.Arg394Cys). This variant is not present in population databases (gnomAD no frequency). This missense change has been observed in individual(s) with Feingold syndrome (Invitae). Advanced modeling of protein sequence and biophysical properties (such as structural, functional, and spatial information, amino acid conservation, physicochemical variation, residue mobility, and thermodynamic stability) performed at Invitae indicates that this missense variant is expected to disrupt MYCN protein function. This variant disrupts the p.Arg394 amino acid residue in MYCN. Other variant(s) that disrupt this residue have been determined to be pathogenic (PMID: 15821734, 33442900; Invitae). This suggests that this residue is clinically significant, and that variants that disrupt this residue are likely to be disease-causing. In summary, the available evidence is currently insufficient to determine the role of this variant in disease. Therefore, it has been classified as a Variant of Uncertain Significance.

Blueprint Genetics
Classification: Likely pathogenic for MYCN-related disorders. Last evaluated: 2022-06-20. Review status: criteria provided, single submitter. Criteria: ACMG Guidelines, 2015. Collection method: clinical testing. Allele origin: germline. Affected: yes. Observed: 1 variant allele.

Literature cited by the submitters: PubMed 15821734 (cited by 3billion and Labcorp Genetics (formerly Invitae), Labcorp); PubMed 33442900 (cited by Labcorp Genetics (formerly Invitae), Labcorp).